The following is an entry in ClinVar:

ClinVar aggregate classification (germline): Uncertain significance (1 of 4 stars; one submission).

Allele frequency attached by ClinVar (database versions not stated): gnomAD exomes below 0.00001.
gnomAD v4.1: 1 of 1,613,878 alleles (0.000062%); highest among the groups gnomAD compares: Non-Finnish European, 0.000085%; no homozygotes.

Submission:

Ambry Genetics
Classification: Uncertain significance. Last evaluated: 2022-09-08. Review status: criteria provided, single submitter. Criteria: Ambry Variant Classification Scheme 2023. Collection method: clinical testing. Allele origin: germline.
Comment: The p.L2378Q variant (also known as c.7133T>A), located in coding exon 25 of the POLQ gene, results from a T to A substitution at nucleotide position 7133. The leucine at codon 2378 is replaced by glutamine, an amino acid with dissimilar properties. This amino acid position is conserved. In addition, the in silico prediction for this alteration is inconclusive. Since supporting evidence is limited at this time, the clinical significance of this alteration remains unclear.

NM_199420.4(POLQ):c.7133T>A (p.Leu2378Gln)

Gene: POLQ (DNA polymerase theta; minus strand). Cytogenetic location: 3q13.33.
Variant type: single nucleotide variant.
Coding change: c.7133T>A on transcript NM_199420.4 (MANE Select); coding-DNA position 7133, T replaced by A.
Protein change: p.Leu2378Gln; replaces leucine 2378 with glutamine.
Molecular consequence: missense variant.
Genome position (GRCh38, 1-based): chr3:121,460,069, A>T on the plus strand (T>A on the coding strand, the complement: POLQ is on the minus strand). VCF-style: chr3-121460069-A-T. GRCh37 (hg19) VCF-style: chr3-121178916-A-T.
Other names: short protein forms L2378Q.
Identifiers: ClinVar variation 1757324 (VCV001757324.2), dbSNP rs2546764499, ClinGen allele CA354106732.